The following is an entry in ClinVar:

ClinVar aggregate classification (germline): Benign (0 of 4 stars; one submission).

Conditions:
RALGAPB-related disorder. Also called: RALGAPB-related condition.

Allele frequency attached by ClinVar (database versions not stated): gnomAD exomes 0.00054; ExAC 0.00203; gnomAD 0.00625; TOPMed 0.00690; ESP Exome Variant Server 0.00700; 1000 Genomes Project 0.00719; 1000 Genomes Project 30x 0.00765.
gnomAD v4.1: 1,771 of 1,613,380 alleles (0.11%); highest among the groups gnomAD compares: African/African-American, 2.1%; 16 homozygotes.

Submission:

PreventionGenetics, part of Exact Sciences
Classification: Benign for RALGAPB-related condition. Last evaluated: 2020-01-28. Review status: no assertion criteria provided. Collection method: clinical testing. Allele origin: germline.
Comment: This variant is classified as benign based on ACMG/AMP sequence variant interpretation guidelines (Richards et al. 2015 PMID: 25741868, with internal and published modifications).

NM_020336.4(RALGAPB):c.3571C>T (p.His1191Tyr)

Gene: RALGAPB (Ral GTPase activating protein non-catalytic subunit beta; plus strand). Cytogenetic location: 20q11.23.
Variant type: single nucleotide variant.
Coding change: c.3571C>T on transcript NM_020336.4 (MANE Select); coding-DNA position 3571, C replaced by T.
Protein change: p.His1191Tyr; replaces histidine 1191 with tyrosine.
Molecular consequence: missense variant.
Genome position (GRCh38, 1-based): chr20:38,562,571, C>T. VCF-style: chr20-38562571-C-T. GRCh37 (hg19) VCF-style: chr20-37191214-C-T.
Other names: c.3571C>T, p.His1191Tyr (NM_001282917.2); c.3559C>T, p.His1187Tyr (NM_001282918.2); short protein forms H1187Y, H1191Y.
Identifiers: ClinVar variation 3044923 (VCV003044923.2), dbSNP rs76591855, ClinGen allele CA9854518.